The following is an entry in ClinVar:

ClinVar aggregate classification (germline): Pathogenic/Likely pathogenic. Review status: criteria provided, multiple submitters, no conflicts (2 of 4 stars). 18 submissions from 18 submitters: Pathogenic (16); Likely pathogenic (1). 1 of the submissions does not count toward it. Last evaluated 2026-02-06.

Conditions:
Fanconi anemia complementation group A (FANCA). Also called: FANCA-Related Fanconi Anemia; Fanconi anemia, group A. Identifiers: Orphanet 84, MedGen C3469521, MONDO:0009215, OMIM 227650.
FANCA-related disorder. Also called: FANCA-related condition.
FANCA-related disorders.
Fanconi anemia (FA). Also called: Fanconi's anemia. Identifiers: Orphanet 84, MedGen C0015625, MeSH D005199, MONDO:0019391.

Allele frequency attached by ClinVar (database versions not stated): gnomAD exomes 0.00012; ExAC 0.00018; TOPMed 0.00006.
gnomAD v4.1: 51 of 1,509,338 alleles (0.0034%); highest among the groups gnomAD compares: East Asian, 0.0027%; no homozygotes.

Submissions 1 to 13 of 18:

Dasa
Classification: Pathogenic. Last evaluated: 2026-02-06. Review status: criteria provided, single submitter. Criteria: DASA Assertion Criteria. Collection method: clinical testing. Allele origin: germline.
Comment: NM_000135.4(FANCA):c.65G>A (p.Trp22Ter) introduces a premature termination codon predicted to result in loss of normal protein function. Loss-of-function is an established mechanism of disease for this gene. This variant has been recurrently observed in individuals with related phenotype (PMID: 29098742; PMID: 19367192; PMID: 15643609; PMID: 15516848). The variant is present at low frequency in population datasets. Based on the available data, this variant is classified as pathogenic.

PreventionGenetics, part of Exact Sciences
Classification: Pathogenic for FANCA-related condition. Last evaluated: 2025-11-05. Review status: criteria provided, single submitter. Criteria: ACMG Guidelines, 2015. Collection method: clinical testing. Allele origin: germline.
Comment: The FANCA c.65G>A variant is predicted to result in premature protein termination (p.Trp22*). This variant has been reported to be causative for Fanconi anemia (see for example: Levran et al. 1997. PubMed ID: 9371798; Castella et al. 2011. PubMed ID: 21273304; Steinberg-Shemer et al. 2019. PubMed ID: 31558676). This variant is reported in 0.17% of alleles in individuals of Ashkenazi Jewish descent in gnomAD and is interpreted as likely pathogenic/pathogenic in ClinVar (Variation ID: 550541). Nonsense variants in FANCA are expected to be pathogenic. This variant is interpreted as pathogenic.

Natera, Inc.
Classification: Pathogenic for Fanconi anemia. Last evaluated: 2025-10-29. Review status: criteria provided, single submitter. Criteria: Natera Variant Classification Schema (03/2026). Collection method: clinical testing. Allele origin: germline.
Comment: The c.65G>A variant in FANCA is a nonsense variant predicted to introduce a stop codon at amino acid 22. This variant is expected to result in nonsense mediated decay, truncation, or a dysfunctional protein product. This variant is rare in the general population with a frequency below the threshold expected for the associated phenotype(s). This variant has been observed in one or more individuals affected with the associated recessive disease, as either homozygous or compound heterozygous with a second variant (PMID: 31558676). Given the available evidence, this variant is classified as Pathogenic.

Labcorp Genetics (formerly Invitae), Labcorp
Classification: Pathogenic for Fanconi anemia. Last evaluated: 2025-10-13. Review status: criteria provided, single submitter. Criteria: Invitae Variant Classification Sherloc (09022015). Collection method: clinical testing. Allele origin: germline.
Comment: This sequence change creates a premature translational stop signal (p.Trp22*) in the FANCA gene. It is expected to result in an absent or disrupted protein product. Loss-of-function variants in FANCA are known to be pathogenic (PMID: 19367192). This variant is present in population databases (rs761341952, gnomAD 0.2%). This premature translational stop signal has been observed in individual(s) with Fanconi anemia (PMID: 9711872, 15643609, 19367192, 28717661, 29098742). ClinVar contains an entry for this variant (Variation ID: 550541). For these reasons, this variant has been classified as Pathogenic.

Women's Health and Genetics/Laboratory Corporation of America, LabCorp
Classification: Pathogenic for Fanconi anemia. Last evaluated: 2025-03-03. Review status: criteria provided, single submitter. Criteria: LabCorp Variant Classification Summary - May 2015. Collection method: clinical testing. Allele origin: germline.
Comment: Variant summary: FANCA c.65G>A (p.Trp22X) results in a premature termination codon, predicted to cause a truncation of the encoded protein or absence of the protein due to nonsense mediated decay, which are commonly known mechanisms for disease. The variant allele was found at a frequency of 0.00012 in 106420 control chromosomes. This frequency is not significantly higher than estimated for a pathogenic variant in FANCA causing Fanconi Anemia (0.00012 vs 0.0022), allowing no conclusion about variant significance. c.65G>A has been reported in the literature in individuals affected with Fanconi Anemia (e.g. Steinberg-Shemer_2019). These data indicate that the variant is likely to be associated with disease. To our knowledge, no experimental evidence demonstrating an impact on protein function has been reported. The following publication have been ascertained in the context of this evaluation (PMID: 31558676).ClinVar contains an entry for this variant (Variation ID: 550541). Based on the evidence outlined above, the variant was classified as pathogenic.

CeGaT Center for Human Genetics Tuebingen
Classification: Pathogenic. Last evaluated: 2025-03-01. Review status: criteria provided, single submitter. Criteria: CeGaT Center For Human Genetics Tuebingen Variant Classification Criteria Version 2. Collection method: clinical testing. Allele origin: germline. Affected: yes. Observed: 1 variant allele.
Comment: FANCA: PVS1, PM3:Strong, PM2:Supporting

Blueprint Genetics
Classification: Pathogenic for FANCA-related disorders. Last evaluated: 2024-09-14. Review status: criteria provided, single submitter. Criteria: ACMG Guidelines, 2015. Collection method: clinical testing. Allele origin: germline. Affected: yes. Observed: 5 variant alleles.

Fulgent Genetics
Classification: Pathogenic for Fanconi anemia complementation group A. Last evaluated: 2024-05-24. Review status: criteria provided, single submitter. Criteria: ACMG Guidelines, 2015. Collection method: clinical testing. Allele origin: germline.

Baylor Genetics
Classification: Pathogenic for Fanconi anemia complementation group A. Last evaluated: 2024-03-25. Review status: criteria provided, single submitter. Criteria: ACMG Guidelines, 2015. Collection method: clinical testing. Allele origin: unknown.

GeneDx
Classification: Pathogenic. Last evaluated: 2024-03-15. Review status: criteria provided, single submitter. Criteria: GeneDx Variant Classification Process June 2021. Collection method: clinical testing. Allele origin: germline. Affected: yes.
Comment: Identified with a second variant, phase unknown, in multiple individuals with Fanconia anemia in published literature (PMID: 19367192, 29098742); Nonsense variant predicted to result in protein truncation or nonsense mediated decay in a gene for which loss-of-function is a known mechanism of disease; This variant is associated with the following publications: (PMID: 15643609, 19367192, 21273304, 28717661, 29098742, 31558676)

Quest Diagnostics Nichols Institute San Juan Capistrano
Classification: Pathogenic. Last evaluated: 2022-01-25. Review status: criteria provided, single submitter. Criteria: Quest Diagnostics criteria. Collection method: clinical testing. Allele origin: unknown.
Comment: This nonsense variant causes the premature termination of FANCA protein synthesis. The frequency of this variant in the general population, 0.0017 (6/3470 chromosomes), is uninformative in assessment of its pathogenicity. In the published literature, the variant has been reported in individuals with Fanconi anemia, complementation group A, and is considered an Ashkenazi Jewish founder mutation (PMIDs: 29098742 (2018), 24584348 (2014), 21273304 (2011), 19367192 (2009), 15643609 (2005), 9371798 (1997)). Based on the available information, this variant is classified as pathogenic.

Sema4
Classification: Pathogenic for Fanconi anemia. Last evaluated: 2021-04-27. Review status: criteria provided, single submitter. Criteria: Sema4 Curation Guidelines. Collection method: curation. Allele origin: germline.
Comment: The FANCA c.65G>A (p.W22X) variant has been reported as homozygous and compound heterozygous in numerous individuals with Fanconi anemia (PMID: 9371798, 31558676, 19367192, 29098742, among others). This nonsense variant creates a premature stop codon at residue 22 of the FANCA protein. Loss of function variants in FANCA are known to be pathogenic (PMID: 19367192). This variant was observed in 12/7192 chromosomes in the Ashkenazi Jewish population, with no homozygotes, according to the Genome Aggregation Database (PMID: 32461654), though gnomAD notes that the allele frequency estimates may not be reliable. This variant has been reported in ClinVar (Variation ID: 550541). Based on the current evidence available, this variant is interpreted as pathogenic.

Mayo Clinic Laboratories, Mayo Clinic
Classification: Pathogenic. Last evaluated: 2020-08-21. Review status: criteria provided, single submitter. Criteria: ACMG Guidelines, 2015. Collection method: clinical testing. Allele origin: germline. Observed: 1 variant allele.
Comment: PVS1, PS1, PS4, PM2

NM_000135.4(FANCA):c.65G>A (p.Trp22Ter)

Genes: FANCA (FA complementation group A; minus strand), LOC112486223 (Sharpr-MPRA regulatory region 3988; plus strand). Cytogenetic location: 16q24.3.
Variant type: single nucleotide variant.
Coding change: c.65G>A on transcript NM_000135.4 (MANE Select); coding-DNA position 65, G replaced by A.
Protein change: p.Trp22Ter; replaces tryptophan 22 with a stop codon.
Molecular consequence: nonsense.
Genome position (GRCh38, 1-based): chr16:89,816,551, C>T on the plus strand (G>A on the coding strand, the complement: FANCA is on the minus strand). VCF-style: chr16-89816551-C-T. GRCh37 (hg19) VCF-style: chr16-89882959-C-T.
Other names: c.65G>A, p.Trp22Ter (NM_001018112.3, NM_001286167.3, NM_001351830.2); c.65G>A (NM_000135.3, LRG_495t1); short protein forms W22*.
Identifiers: ClinVar variation 550541 (VCV000550541.47), dbSNP rs761341952, ClinGen allele CA8253262.